The following is an entry in ClinVar:

NM_001242957.3(MAK):c.1862A>C (p.Asn621Thr)

Gene: MAK (male germ cell associated kinase; minus strand). Cytogenetic location: 6p24.2.
Variant type: single nucleotide variant.
Coding change: c.1862A>C on transcript NM_001242957.3 (MANE Select); coding-DNA position 1862, A replaced by C.
Protein change: p.Asn621Thr; replaces asparagine 621 with threonine.
Molecular consequence: missense variant. On other transcripts: non-coding transcript variant (2).
Genome position (GRCh38, 1-based): chr6:10,764,537, T>G on the plus strand (A>C on the coding strand, the complement: MAK is on the minus strand). VCF-style: chr6-10764537-T-G. GRCh37 (hg19) VCF-style: chr6-10764770-T-G.
Other names: c.1787A>C (NM_005906.4); c.1667A>C, p.Asn556Thr (NM_001242385.2); c.1565A>C, p.Asn522Thr (NM_001377262.1); c.1787A>C, p.Asn596Thr (NM_005906.6); short protein forms N522T, N621T, N556T, N596T.
Identifiers: ClinVar variation 2013120 (VCV002013120.4), dbSNP rs180826550, ClinGen allele CA3633321.

ClinVar aggregate classification (germline): Uncertain significance. Review status: criteria provided, multiple submitters, no conflicts (2 of 4 stars). 3 submissions from 3 submitters: Uncertain significance (3). Last evaluated 2023-09-27.

Conditions:
Inborn genetic diseases. Identifiers: MedGen C0950123, MeSH D030342.

Allele frequency attached by ClinVar (database versions not stated): TOPMed below 0.00001; ExAC 0.00001; gnomAD 0.00002; 1000 Genomes Project 30x 0.00016; 1000 Genomes Project 0.00020; gnomAD exomes below 0.00001.

Submissions (3):

Blueprint Genetics
Classification: Uncertain significance. Last evaluated: 2023-09-27. Review status: criteria provided, single submitter. Criteria: ACMG Guidelines, 2015. Collection method: clinical testing. Allele origin: germline.

Ambry Genetics
Classification: Uncertain significance for Inborn genetic diseases. Last evaluated: 2023-02-28. Review status: criteria provided, single submitter. Criteria: Ambry Variant Classification Scheme 2023. Collection method: clinical testing. Allele origin: germline.

Labcorp Genetics (formerly Invitae), Labcorp
Classification: Uncertain significance. Last evaluated: 2022-07-02. Review status: criteria provided, single submitter. Criteria: Invitae Variant Classification Sherloc (09022015). Collection method: clinical testing. Allele origin: germline.
Comment: This sequence change replaces asparagine, which is neutral and polar, with threonine, which is neutral and polar, at codon 621 of the MAK protein (p.Asn621Thr). This variant is present in population databases (rs180826550, gnomAD 0.006%). This variant has not been reported in the literature in individuals affected with MAK-related conditions. Advanced modeling of protein sequence and biophysical properties (such as structural, functional, and spatial information, amino acid conservation, physicochemical variation, residue mobility, and thermodynamic stability) performed at Invitae indicates that this missense variant is not expected to disrupt MAK protein function. In summary, the available evidence is currently insufficient to determine the role of this variant in disease. Therefore, it has been classified as a Variant of Uncertain Significance.